The following is an entry in ClinVar:

NM_001136472.2(LITAF):c.283T>C (p.Cys95Arg)

Gene: LITAF (lipopolysaccharide induced TNF factor; minus strand). Cytogenetic location: 16p13.13.
Variant type: single nucleotide variant.
Coding change: c.283T>C on transcript NM_001136472.2 (MANE Select); coding-DNA position 283, T replaced by C.
Protein change: p.Cys95Arg; replaces cysteine 95 with arginine.
Molecular consequence: missense variant. On other transcripts: non-coding transcript variant (1).
Genome position (GRCh38, 1-based): chr16:11,553,627, A>G on the plus strand (T>C on the coding strand, the complement: LITAF is on the minus strand). VCF-style: chr16-11553627-A-G. GRCh37 (hg19) VCF-style: chr16-11647483-A-G.
Other names: c.283T>C, p.Cys95Arg (NM_001136473.1, NM_004862.4); short protein forms C95R.
Identifiers: ClinVar variation 1025234 (VCV001025234.8), dbSNP rs2064218551, ClinGen allele CA394765683.

ClinVar aggregate classification (germline): Uncertain significance (1 of 4 stars; one submission).

Conditions:
Charcot-Marie-Tooth disease type 1C. Also called: CHARCOT-MARIE-TOOTH NEUROPATHY, TYPE 1C; NEUROPATHY, HEREDITARY MOTOR AND SENSORY, TYPE IC; Charcot-Marie-Tooth disease, type IC; CMT, SLOW NERVE CONDUCTION TYPE C; HMSN IC; CHARCOT-MARIE-TOOTH DISEASE, DEMYELINATING, TYPE 1C. Identifiers: Orphanet 101083, MedGen C0270913, MONDO:0010995, OMIM 601098.

Submission:

Labcorp Genetics (formerly Invitae), Labcorp
Classification: Uncertain significance for Charcot-Marie-Tooth disease type 1C. Last evaluated: 2020-10-10. Review status: criteria provided, single submitter. Criteria: Invitae Variant Classification Sherloc (09022015). Collection method: clinical testing. Allele origin: germline.
Comment: In summary, the available evidence is currently insufficient to determine the role of this variant in disease. Therefore, it has been classified as a Variant of Uncertain Significance. Algorithms developed to predict the effect of missense changes on protein structure and function are either unavailable or do not agree on the potential impact of this missense change (SIFT: "Tolerated"; PolyPhen-2: "Possibly Damaging"; Align-GVGD: "Class C0"). This variant has not been reported in the literature in individuals with LITAF-related conditions. This variant is not present in population databases (ExAC no frequency). This sequence change replaces cysteine with arginine at codon 95 of the LITAF protein (p.Cys95Arg). The cysteine residue is highly conserved and there is a large physicochemical difference between cysteine and arginine.